The following is an entry in ClinVar:

NM_001148.6(ANK2):c.1899A>G (p.Leu633=)

Gene: ANK2 (ankyrin 2; plus strand). Cytogenetic location: 4q26.
Variant type: single nucleotide variant.
Coding change: c.1899A>G on transcript NM_001148.6 (MANE Select); coding-DNA position 1899, A replaced by G.
Protein change: p.Leu633=; no amino-acid change (leucine 633 retained).
Molecular consequence: synonymous variant.
Genome position (GRCh38, 1-based): chr4:113,282,692, A>G. VCF-style: chr4-113282692-A-G. GRCh37 (hg19) VCF-style: chr4-114203848-A-G.
Other names: p.L633L:TTA>TTG; c.1836A>G, p.Leu612= (NM_001127493.3, NM_001354239.2, NM_001354243.2 and 10 more transcripts); c.1899A>G, p.Leu633= (NM_001354225.2, NM_001354228.2, NM_001354232.2 and 6 more transcripts); c.1944A>G, p.Leu648= (NM_001354230.2, NM_001354231.2, NM_001354237.2 and 5 more transcripts); c.1800A>G, p.Leu600= (NM_001354245.2, NM_001354268.2); c.1812A>G, p.Leu604= (NM_001354249.2, NM_001354264.2, NM_001354266.2 and 10 more transcripts); c.1737A>G, p.Leu579= (NM_001354253.2, NM_001354257.2, NM_001354270.2 and 1 more transcripts); c.1713A>G, p.Leu571= (NM_001354260.2, NM_001354271.2, NM_001386151.1); and 9 more.
Identifiers: ClinVar variation 136384 (VCV000136384.19), dbSNP rs377608305, ClinGen allele CA289436.

ClinVar aggregate classification (germline): Conflicting classifications of pathogenicity. Review status: criteria provided, conflicting classifications (1 of 4 stars). 5 submissions from 5 submitters: Uncertain significance (1); Benign (1); Likely benign (3). Last evaluated 2025-12-15.

Conditions:
Cardiovascular phenotype. Identifiers: MedGen CN230736.
Long QT syndrome (LQTS). Identifiers: MedGen C0023976, MeSH D008133, MONDO:0002442. Disease mechanism: loss of function. Inheritance: Various modes of inheritance.
Cardiac arrhythmia, ankyrin-B-related. Also called: ANKYRIN-B SYNDROME. Identifiers: Orphanet 101016, Orphanet 768, MedGen C1970119, MONDO:0010958, OMIM 600919.

Allele frequency attached by ClinVar (database versions not stated): gnomAD 0.00009 and 0.00010; gnomAD exomes 0.00022 and 0.00005; ExAC 0.00007; ESP Exome Variant Server 0.00008; TOPMed 0.00008.
gnomAD v4.1: 327 of 1,612,976 alleles (0.02%); highest among the groups gnomAD compares: Non-Finnish European, 0.026%; no homozygotes.

Submissions (5):

Labcorp Genetics (formerly Invitae), Labcorp
Classification: Likely benign for Long QT syndrome. Last evaluated: 2025-12-15. Review status: criteria provided, single submitter. Criteria: Invitae Variant Classification Sherloc (09022015). Collection method: clinical testing. Allele origin: germline.

Blueprint Genetics
Classification: Likely benign. Last evaluated: 2024-06-10. Review status: criteria provided, single submitter. Criteria: ACMG Guidelines, 2015. Collection method: clinical testing. Allele origin: germline.

Illumina Laboratory Services, Illumina
Classification: Uncertain significance for Cardiac arrhythmia, ankyrin-B-related. Last evaluated: 2018-01-13. Review status: criteria provided, single submitter. Criteria: ICSL Variant Classification Criteria 13 December 2019. Collection method: clinical testing. Allele origin: germline.

Ambry Genetics
Classification: Likely benign for Cardiovascular phenotype. Last evaluated: 2015-06-26. Review status: criteria provided, single submitter. Criteria: Ambry Variant Classification Scheme 2023. Collection method: clinical testing. Allele origin: germline.

GeneDx
Classification: Benign. Last evaluated: 2013-08-08. Review status: criteria provided, single submitter. Criteria: GeneDx Variant Classification (06012015). Collection method: clinical testing. Allele origin: germline. Affected: yes.
Comment: This variant is considered likely benign or benign based on one or more of the following criteria: it is a conservative change, it occurs at a poorly conserved position in the protein, it is predicted to be benign by multiple in silico algorithms, and/or has population frequency not consistent with disease.